The following is an entry in ClinVar:

ClinVar aggregate classification (germline): Conflicting classifications of pathogenicity. Review status: criteria provided, conflicting classifications (1 of 4 stars). 5 submissions from 5 submitters: Uncertain significance (4); Likely benign (1). Last evaluated 2024-10-01.

Conditions:
Familial thoracic aortic aneurysm and aortic dissection (TAAD). Also called: Thoracic aortic aneurysms and dissections. Identifiers: Orphanet 91387, MedGen C4707243, MONDO:0019625.
Shprintzen-Goldberg syndrome (SGS). Also called: SHPRINTZEN-GOLDBERG CRANIOSYNOSTOSIS SYNDROME; Marfanoid disorder with craniosynostosis type 1; Marfanoid craniosynostosis syndrome; Shprintzen-Goldberg marfanoid syndrome; CRANIOSYNOSTOSIS WITH ARACHNODACTYLY AND ABDOMINAL HERNIAS. Identifiers: Orphanet 2462, MedGen C1321551, MONDO:0008426, OMIM 182212.

Allele frequency attached by ClinVar (database versions not stated): gnomAD 0.00003; TOPMed 0.00004.
gnomAD v4.1: 20 of 1,411,188 alleles (0.0014%); highest among the groups gnomAD compares: Non-Finnish European, 0.0019%; no homozygotes.

Submissions (5):

Ambry Genetics
Classification: Uncertain significance for Familial thoracic aortic aneurysm and aortic dissection. Last evaluated: 2024-10-01. Review status: criteria provided, single submitter. Criteria: Ambry Variant Classification Scheme 2023. Collection method: clinical testing. Allele origin: germline.

Labcorp Genetics (formerly Invitae), Labcorp
Classification: Uncertain significance for Shprintzen-Goldberg syndrome. Last evaluated: 2024-09-17. Review status: criteria provided, single submitter. Criteria: Invitae Variant Classification Sherloc (09022015). Collection method: clinical testing. Allele origin: germline.
Comment: This sequence change replaces lysine, which is basic and polar, with glutamine, which is neutral and polar, at codon 48 of the SKI protein (p.Lys48Gln). This variant is present in population databases (no rsID available, gnomAD 0.003%). This variant has not been reported in the literature in individuals affected with SKI-related conditions. ClinVar contains an entry for this variant (Variation ID: 432531). Invitae Evidence Modeling of protein sequence and biophysical properties (such as structural, functional, and spatial information, amino acid conservation, physicochemical variation, residue mobility, and thermodynamic stability) indicates that this missense variant is not expected to disrupt SKI protein function with a negative predictive value of 95%. In summary, the available evidence is currently insufficient to determine the role of this variant in disease. Therefore, it has been classified as a Variant of Uncertain Significance.

Blueprint Genetics
Classification: Likely benign. Last evaluated: 2023-12-16. Review status: criteria provided, single submitter. Criteria: ACMG Guidelines, 2015. Collection method: clinical testing. Allele origin: germline.

GeneDx
Classification: Uncertain significance. Last evaluated: 2023-11-13. Review status: criteria provided, single submitter. Criteria: GeneDx Variant Classification Process June 2021. Collection method: clinical testing. Allele origin: germline. Affected: yes.
Comment: Has not been previously published as pathogenic or benign to our knowledge; In silico analysis supports that this missense variant does not alter protein structure/function

Fulgent Genetics
Classification: Uncertain significance for Shprintzen-Goldberg syndrome. Last evaluated: 2018-10-31. Review status: criteria provided, single submitter. Criteria: ACMG Guidelines, 2015. Collection method: clinical testing. Allele origin: unknown.

NM_003036.4(SKI):c.142A>C (p.Lys48Gln)

Gene: SKI (SKI proto-oncogene; plus strand). Cytogenetic location: 1p36.33.
Variant type: single nucleotide variant.
Coding change: c.142A>C on transcript NM_003036.4 (MANE Select); coding-DNA position 142, A replaced by C.
Protein change: p.Lys48Gln; replaces lysine 48 with glutamine.
Molecular consequence: missense variant.
Genome position (GRCh38, 1-based): chr1:2,228,908, A>C. VCF-style: chr1-2228908-A-C. GRCh37 (hg19) VCF-style: chr1-2160347-A-C.
Other names: short protein forms K48Q.
Identifiers: ClinVar variation 432531 (VCV000432531.18), dbSNP rs946543006, ClinGen allele CA16871460.